The following is an entry in ClinVar:

ClinVar aggregate classification (germline): Benign (1 of 4 stars; one submission).

Allele frequency attached by ClinVar (database versions not stated): 1000 Genomes Project 30x 0.00312; 1000 Genomes Project 0.00339; gnomAD 0.00862; TOPMed 0.00946.

Submission:

CeGaT Center for Human Genetics Tuebingen
Classification: Benign. Last evaluated: 2024-01-01. Review status: criteria provided, single submitter. Criteria: CeGaT Center For Human Genetics Tuebingen Variant Classification Criteria Version 2. Collection method: clinical testing. Allele origin: germline. Affected: yes. Observed: 2 variant alleles.
Comment: MCM4: BS1, BS2

NM_182746.3(MCM4):c.71-94C>T

Gene: MCM4 (minichromosome maintenance complex component 4; plus strand). Cytogenetic location: 8q11.21.
Variant type: single nucleotide variant.
Coding change: c.71-94C>T on transcript NM_182746.3 (MANE Select); 94 bases into the intron before coding-DNA position 71, C replaced by T.
Molecular consequence: intron variant.
Genome position (GRCh38, 1-based): chr8:47,961,422, C>T. VCF-style: chr8-47961422-C-T. GRCh37 (hg19) VCF-style: chr8-48873982-C-T.
Other names: c.71-94C>T (NM_005914.4).
Identifiers: ClinVar variation 2658593 (VCV002658593.24), dbSNP rs140106810, ClinGen allele CA176154501.
Genomic context (GRCh38, chr8:47,961,422, plus strand): 5'-GCAGGCTGTGGCCTGGGTGCTGCTTAATTCGATTGCCATTTGCCTCTGTTTGGTTTGGTT[C>T]AGTGGTGAGTCATAATGCCCCAAGGAAAAGACAAATCCAGGAAGGCCGGCCCTGAAAGTT-3'